The following is an entry in ClinVar:

ClinVar aggregate classification (germline): Uncertain significance (1 of 4 stars; one submission).

Submission:

GeneDx
Classification: Uncertain significance. Last evaluated: 2024-09-30. Review status: criteria provided, single submitter. Criteria: GeneDx Variant Classification Process June 2021. Collection method: clinical testing. Allele origin: germline. Affected: yes.
Comment: Not observed at significant frequency in large population cohorts (gnomAD); In silico analysis supports a deleterious effect on protein structure/function; Has not been previously published as pathogenic or benign to our knowledge

NM_006005.3(WFS1):c.2452_2454delinsTGT (p.Arg818Cys)

Gene: WFS1 (wolframin ER transmembrane glycoprotein; plus strand). Cytogenetic location: 4p16.1.
Variant type: Indel.
Coding change: c.2452_2454delinsTGT on transcript NM_006005.3 (MANE Select); coding-DNA positions 2452 to 2454, CGC replaced by TGT.
Protein change: p.Arg818Cys; replaces arginine 818 with cysteine.
Molecular consequence: missense variant.
Genome position (GRCh38, 1-based): chr4:6,302,247-6,302,249, CGC replaced by TGT. VCF-style: chr4-6302247-CGC-TGT. GRCh37 (hg19) VCF-style: chr4-6303974-CGC-TGT.
Other names: c.2452_2454delinsTGT, p.Arg818Cys (NM_001145853.1); short protein forms R818C.
Identifiers: ClinVar variation 3774924 (VCV003774924.1).